The following is an entry in ClinVar:

ClinVar aggregate classification (germline): Uncertain significance (1 of 4 stars; one submission).

Conditions:
LRRC45-related disorder. Also called: LRRC45-related condition.

gnomAD v4.1: 13 of 1,547,070 alleles (0.00084%); highest among the groups gnomAD compares: Admixed American, 0.02%; no homozygotes.

Submission:

PreventionGenetics, part of Exact Sciences
Classification: Uncertain significance for LRRC45-related condition. Last evaluated: 2025-11-17. Review status: criteria provided, single submitter. Criteria: ACMG Guidelines, 2015. Collection method: clinical testing. Allele origin: germline.
Comment: The LRRC45 c.1538C>G variant is predicted to result in the amino acid substitution p.Ala513Gly. To our knowledge, this variant has not been reported in the literature. This variant is reported in 0.032% of alleles in individuals of Latino descent in gnomAD. At this time, the clinical significance of this variant is uncertain due to the absence of conclusive functional and genetic evidence.

NM_144999.4(LRRC45):c.1538C>G (p.Ala513Gly)

Gene: LRRC45 (leucine rich repeat containing 45; plus strand). Cytogenetic location: 17q25.3.
Variant type: single nucleotide variant.
Coding change: c.1538C>G on transcript NM_144999.4 (MANE Select); coding-DNA position 1538, C replaced by G.
Protein change: p.Ala513Gly; replaces alanine 513 with glycine.
Molecular consequence: missense variant.
Genome position (GRCh38, 1-based): chr17:82,030,108, C>G. VCF-style: chr17-82030108-C-G. GRCh37 (hg19) VCF-style: chr17-79987984-C-G.
Other names: short protein forms A513G.
Identifiers: ClinVar variation 3351775 (VCV003351775.2).
Genomic context (GRCh38, chr17:82,030,108, plus strand): 5'-GGCCCCTGTGCTCACAGCAACAGCGCCTGGCTCACCTGGAGGACAAGCTGAGACTGCTGG[C>G]GCAGGCACGGGACGAGGCGCAGGGCGCTTGCCTACAGCAGAAGCAGGTGGTGGCCGAGGC-3'
Protein context (NP_659436.1, residues 503-523): AHLEDKLRLL[Ala513Gly]QARDEAQGAC